The following is an entry in ClinVar:

ClinVar aggregate classification (germline): Uncertain significance. Review status: criteria provided, multiple submitters, no conflicts (2 of 4 stars). 2 submissions from 2 submitters: Uncertain significance (2). Last evaluated 2022-03-05.

Conditions:
Bardet-Biedl syndrome (BBS). Identifiers: Orphanet 110, MedGen C0752166, MONDO:0015229.
Bardet-Biedl syndrome 4 (BBS4). Identifiers: Orphanet 110, MedGen C2936864, MONDO:0014433, OMIM 615982.

Allele frequency attached by ClinVar (database versions not stated): TOPMed 0.00001.

Submissions (2):

Labcorp Genetics (formerly Invitae), Labcorp
Classification: Uncertain significance for Bardet-Biedl syndrome. Last evaluated: 2022-03-05. Review status: criteria provided, single submitter. Criteria: Invitae Variant Classification Sherloc (09022015). Collection method: clinical testing. Allele origin: germline.
Comment: In summary, the available evidence is currently insufficient to determine the role of this variant in disease. Therefore, it has been classified as a Variant of Uncertain Significance. Variants that disrupt the consensus splice site are a relatively common cause of aberrant splicing (PMID: 17576681, 9536098). Algorithms developed to predict the effect of sequence changes on RNA splicing suggest that this variant may disrupt the consensus splice site. This sequence change affects codon 416 of the BBS4 mRNA. It is a 'silent' change, meaning that it does not change the encoded amino acid sequence of the BBS4 protein. This variant also falls at the last nucleotide of exon 14, which is part of the consensus splice site for this exon. This variant is not present in population databases (gnomAD no frequency). This variant has not been reported in the literature in individuals affected with BBS4-related conditions.

Fulgent Genetics
Classification: Uncertain significance for Bardet-Biedl syndrome 4. Last evaluated: 2021-12-28. Review status: criteria provided, single submitter. Criteria: ACMG Guidelines, 2015. Collection method: clinical testing. Allele origin: unknown.

Literature cited by the submitters: PubMed 17576681 (cited by Labcorp Genetics (formerly Invitae), Labcorp); PubMed 9536098 (cited by Labcorp Genetics (formerly Invitae), Labcorp).

NM_033028.5(BBS4):c.1248G>A (p.Glu416=)

Gene: BBS4 (Bardet-Biedl syndrome 4; plus strand). Cytogenetic location: 15q24.1.
Variant type: single nucleotide variant.
Coding change: c.1248G>A on transcript NM_033028.5 (MANE Select); coding-DNA position 1248, G replaced by A.
Protein change: p.Glu416=; no amino-acid change (glutamic acid 416 retained).
Molecular consequence: synonymous variant. On other transcripts: non-coding transcript variant (2).
Genome position (GRCh38, 1-based): chr15:72,735,966, G>A. VCF-style: chr15-72735966-G-A. GRCh37 (hg19) VCF-style: chr15-73028307-G-A.
Other names: c.732G>A, p.Glu244= (NM_001252678.2); c.1179G>A, p.Glu393= (NM_001320665.2).
Identifiers: ClinVar variation 1487690 (VCV001487690.7), dbSNP rs914591602, ClinGen allele CA272646344.